The following is an entry in ClinVar:

ClinVar aggregate classification (germline): Uncertain significance (0 of 4 stars; one submission).

Conditions:
Prostate cancer. Also called: Malignant tumor of prostate. Identifiers: Orphanet 1331, MedGen C0376358, MONDO:0008315, HP:0012125.

Submission:

Science for Life laboratory,  Karolinska Institutet
Classification: Uncertain significance for Malignant tumor of prostate. Review status: no assertion criteria provided. Collection method: not provided. Allele origin: somatic.
Comment: TumorID:SWE-6
ClinVar note: Converted during submission from Unknown to Uncertain significance.

NM_001366145.2(TRPM3):c.2815G>A (p.Gly939Arg)

Gene: TRPM3 (transient receptor potential cation channel subfamily M member 3; minus strand). Cytogenetic location: 9q21.12.
Variant type: single nucleotide variant.
Coding change: c.2815G>A on transcript NM_001366145.2 (MANE Select); coding-DNA position 2815, G replaced by A.
Protein change: p.Gly939Arg; replaces glycine 939 with arginine.
Molecular consequence: missense variant.
Genome position (GRCh38, 1-based): chr9:70,598,652, C>T on the plus strand (G>A on the coding strand, the complement: TRPM3 is on the minus strand). VCF-style: chr9-70598652-C-T. GRCh37 (hg19) VCF-style: chr9-73213568-C-T.
Other names: c.2779G>A, p.Gly927Arg (NM_001007471.4, NM_001366151.2); c.2785G>A, p.Gly929Arg (NM_001366141.2, NM_001366143.2, NM_001366149.2); c.2821G>A, p.Gly941Arg (NM_001366142.2); c.2815G>A, p.Gly939Arg (NM_001366146.2); c.2890G>A, p.Gly964Arg (NM_001366147.2, NM_001366152.2); c.2860G>A, p.Gly954Arg (NM_001366148.2); c.2749G>A, p.Gly917Arg (NM_001366150.2); c.2356G>A, p.Gly786Arg (NM_001366154.2, NM_024971.7); and 5 more; short protein forms G774R, G927R, G939R, G764R, G789R, G799R, G786R, G929R.
Identifiers: ClinVar variation 161741 (VCV000161741.2), dbSNP rs193921019, ClinGen allele CA174702.